The following is an entry in ClinVar:

NM_199355.4(ADAMTS18):c.3402+1G>A

Gene: ADAMTS18 (ADAM metallopeptidase with thrombospondin type 1 motif 18; minus strand). Cytogenetic location: 16q23.1.
Variant type: single nucleotide variant.
Coding change: c.3402+1G>A on transcript NM_199355.4 (MANE Select); the canonical splice donor site of the intron after coding-DNA position 3402, G replaced by A.
Molecular consequence: splice donor variant.
Genome position (GRCh38, 1-based): chr16:77,291,265, C>T on the plus strand (G>A on the coding strand, the complement: ADAMTS18 is on the minus strand). VCF-style: chr16-77291265-C-T. GRCh37 (hg19) VCF-style: chr16-77325162-C-T.
Other names: c.2886+1G>A (NM_001326358.2).
Identifiers: ClinVar variation 2131610 (VCV002131610.4), dbSNP rs773523852, ClinGen allele CA8180473.
Genomic context (GRCh38, chr16:77,291,265, plus strand): 5'-GAACGCCTCATTTTTCGACATCTCACTTGAATAGACACCTCCTCAATCGGCCTGTACCCA[C>T]CTGCTGCCACGGCAATGAATACCATCCAGCTACCATGTTGTACACTGGATGGGCTGGGCA-3'

ClinVar aggregate classification (germline): Likely pathogenic (1 of 4 stars; one submission).

Allele frequency attached by ClinVar (database versions not stated): ExAC 0.00001; TOPMed 0.00001.
gnomAD v4.1: 11 of 1,613,954 alleles (0.00068%); highest among the groups gnomAD compares: Non-Finnish European, 0.00093%; no homozygotes.

Submission:

Labcorp Genetics (formerly Invitae), Labcorp
Classification: Likely pathogenic. Last evaluated: 2025-03-17. Review status: criteria provided, single submitter. Criteria: Invitae Variant Classification Sherloc (09022015). Collection method: clinical testing. Allele origin: germline.
Comment: This sequence change affects a donor splice site in intron 21 of the ADAMTS18 gene. It is expected to disrupt RNA splicing. Variants that disrupt the donor or acceptor splice site typically lead to a loss of protein function (PMID: 16199547), and loss-of-function variants in ADAMTS18 are known to be pathogenic (PMID: 23818446, 24874986). This variant is present in population databases (rs773523852, gnomAD 0.005%). This variant has not been reported in the literature in individuals affected with ADAMTS18-related conditions. ClinVar contains an entry for this variant (Variation ID: 2131610). Algorithms developed to predict the effect of sequence changes on RNA splicing suggest that this variant may disrupt the consensus splice site. In summary, the currently available evidence indicates that the variant is pathogenic, but additional data are needed to prove that conclusively. Therefore, this variant has been classified as Likely Pathogenic.

Literature cited by the submitters: PubMed 16199547; PubMed 23818446; PubMed 24874986.